The following is an entry in ClinVar:

NM_003159.3(CDKL5):c.2941C>G (p.Arg981Gly)

Genes: CDKL5 (cyclin dependent kinase like 5; plus strand), RS1 (retinoschisin 1; minus strand). Cytogenetic location: Xp22.13.
Variant type: single nucleotide variant.
Coding change: c.2941C>G on transcript NM_003159.3; coding-DNA position 2941, C replaced by G.
Protein change: p.Arg981Gly; replaces arginine 981 with glycine.
Molecular consequence: missense variant. On other transcripts: intron variant (1).
Genome position (GRCh38, 1-based): chrX:18,650,553, C>G. VCF-style: chrX-18650553-C-G. GRCh37 (hg19) VCF-style: chrX-18668673-C-G.
Other names: NM_003159.3(CDKL5):c.2941C>G; p.Arg981Gly; c.2941C>G, p.Arg981Gly (NM_001037343.2); c.185-3221G>C (NM_000330.4); short protein forms R981G.
Identifiers: ClinVar variation 512938 (VCV000512938.40), dbSNP rs374054249, ClinGen allele CA327013112.

ClinVar aggregate classification (germline): Benign. Review status: reviewed by expert panel (3 of 4 stars). 5 submissions from 5 submitters: Benign (1). 4 of the submissions do not count toward it. Last evaluated 2025-06-25.

Conditions:
CDKL5 disorder. Identifiers: MedGen CN296942, MONDO:0100039.
Angelman syndrome-like. Identifiers: MedGen CN128785.
Developmental and epileptic encephalopathy, 2 (DEE2). Also called: CDKL5 deficiency disorder; INFANTILE SPASM SYNDROME, X-LINKED 2. Identifiers: Orphanet 1934, Orphanet 3451, Orphanet 505652, MedGen C4750718, MONDO:0010396, OMIM 300672.

Allele frequency attached by ClinVar (database versions not stated): gnomAD 0.00004; ESP Exome Variant Server 0.00009; TOPMed 0.00003.
gnomAD v4.1: 78 of 1,210,840 alleles (0.0064%); highest among the groups gnomAD compares: Non-Finnish European, 0.0084%; no homozygotes.

Submissions (5):

ClinGen Rett and Angelman-like Disorders Variant Curation Expert Panel
Classification: Benign for CDKL5 disorder. Last evaluated: 2025-06-25. Review status: reviewed by expert panel. Criteria: ClinGen RettAS ACMG Specifications CDKL5 V4.1.0. Collection method: curation. Allele origin: germline. Inheritance: X-linked inheritance.
Comment: The highest population minor allele frequency of the p.Arg981Gly variant in CDKL5 (NM_003159.2) in gnomAD v4.1 is 0.00008376 in the Non-Finnish European population, which is higher than the ClinGen Rett and Angelman-like Disorders VCEP threshold (≥0.00008) for BS1, and therefore meets this criterion (BS1). The p.Arg981Gly variant is observed in at least 2 unaffected individuals (internal database - GeneDx) (BS2). The p.Arg981Gly variant is found in at least 3 patients with an alternate molecular basis of disease (internal database - GeneDx) (BP5_strong). The computational predictor REVEL gives a score of 0.078, which is below the threshold of 0.290, evidence that does not predict a damaging effect on CDKL5 function (BP4). RS1 (NM_000330.4) and an alternative transcript of CDKL5 (NM_003159.2) are overlapping transcripts; however, these variants are in the noncoding 3' region of the main CDKL5 transcript (NM_001323289.2). The c.2941C>G (p.Arg981Gly) variant in CDKL5 transcript (NM_003159.2) (NM_000330.4 (RS1):c.185-3221G>C) is classified as benign based on the ACMG/AMP criteria (BS1, BS2, BP5_strong, BP4). (CDKL5 Specifications v.4.1; curation approved on 06/25/2025)

Labcorp Genetics (formerly Invitae), Labcorp
Classification: Likely benign for Developmental and epileptic encephalopathy, 2; Angelman syndrome-like. Last evaluated: 2025-04-11. Review status: criteria provided, single submitter. Criteria: Invitae Variant Classification Sherloc (09022015). Collection method: clinical testing. Allele origin: germline. Not counted in ClinVar's aggregate classification.

CeGaT Center for Human Genetics Tuebingen
Classification: Likely benign. Last evaluated: 2023-02-01. Review status: criteria provided, single submitter. Criteria: CeGaT Center For Human Genetics Tuebingen Variant Classification Criteria Version 2. Collection method: clinical testing. Allele origin: germline. Affected: yes. Observed: 1 variant allele. Not counted in ClinVar's aggregate classification.
Comment: CDKL5: BP4

Revvity Omics, Revvity
Classification: Uncertain significance for Developmental and epileptic encephalopathy, 2. Last evaluated: 2021-11-05. Review status: criteria provided, single submitter. Criteria: ACMG Guidelines, 2015. Collection method: clinical testing. Allele origin: germline. Not counted in ClinVar's aggregate classification.

GeneDx
Classification: Likely benign. Last evaluated: 2018-12-20. Review status: criteria provided, single submitter. Criteria: GeneDx Variant Classification Process June 2021. Collection method: clinical testing. Allele origin: germline. Affected: yes. Not counted in ClinVar's aggregate classification.